The following is an entry in ClinVar:

ClinVar aggregate classification (germline): Uncertain significance (1 of 4 stars; one submission).

Conditions:
Malignant hyperthermia, susceptibility to, 1 (MHS1). Also called: RYR1-Related Malignant Hyperthermia Susceptibility; Malignant hyperthermia suceptibility 1; Anesthesia related hyperthermia; Malignant hyperpyrexia; Fulminating hyperpyrexia; Pharmacogenic myopathy. Identifiers: Orphanet 423, MedGen C2930980, MONDO:0007783, OMIM 145600.

gnomAD v4.1: 1 of 1,614,256 alleles (0.000062%); highest among the groups gnomAD compares: East Asian, 0.0022%; no homozygotes.

Submission:

Color Diagnostics, LLC DBA Color Health
Classification: Uncertain significance for Malignant hyperthermia, susceptibility to, 1. Last evaluated: 2025-07-25. Review status: criteria provided, single submitter. Criteria: ACMG Guidelines, 2015. Collection method: clinical testing. Allele origin: germline.
Comment: This missense variant replaces leucine with phenylalanine at codon 820 of the RYR1 protein. Computational prediction is inconclusive regarding the impact of this variant on protein structure and function. To our knowledge, functional studies have not been reported for this variant. This variant has not been reported in individuals affected with RYR1-related disorders in the literature. This variant has been identified in 1/251488 chromosomes in the general population by the Genome Aggregation Database (gnomAD). The available evidence is insufficient to determine the role of this variant in disease conclusively. Therefore, this variant is classified as a Variant of Uncertain Significance.

NM_000540.3(RYR1):c.2458C>T (p.Leu820Phe)

Gene: RYR1 (ryanodine receptor 1; plus strand). Cytogenetic location: 19q13.2.
Variant type: single nucleotide variant.
Coding change: c.2458C>T on transcript NM_000540.3 (MANE Select); coding-DNA position 2458, C replaced by T.
Protein change: p.Leu820Phe; replaces leucine 820 with phenylalanine.
Molecular consequence: missense variant.
Genome position (GRCh38, 1-based): chr19:38,460,472, C>T. VCF-style: chr19-38460472-C-T. GRCh37 (hg19) VCF-style: chr19-38951112-C-T.
Other names: c.2458C>T, p.Leu820Phe (NM_001042723.2); short protein forms L820F.
Identifiers: ClinVar variation 4759108 (VCV004759108.1).